The following is an entry in ClinVar:

ClinVar aggregate classification (germline): Uncertain significance (0 of 4 stars; one submission).

Conditions:
NOP56-related disorder. Also called: NOP56-related condition.

Submission:

PreventionGenetics, part of Exact Sciences
Classification: Uncertain significance for NOP56-related condition. Last evaluated: 2024-03-18. Review status: no assertion criteria provided. Collection method: clinical testing. Allele origin: germline.
Comment: The NOP56 c.1618A>G variant is predicted to result in the amino acid substitution p.Lys540Glu. To our knowledge, this variant has not been reported in the literature. This variant is reported in 0.0058% of alleles in individuals of Latino descent in gnomAD. At this time, the clinical significance of this variant is uncertain due to the absence of conclusive functional and genetic evidence.

NM_006392.4(NOP56):c.1618A>G (p.Lys540Glu)

Gene: NOP56 (NOP56 ribonucleoprotein; plus strand). Cytogenetic location: 20p13.
Variant type: single nucleotide variant.
Coding change: c.1618A>G on transcript NM_006392.4 (MANE Select); coding-DNA position 1618, A replaced by G.
Protein change: p.Lys540Glu; replaces lysine 540 with glutamic acid.
Molecular consequence: missense variant. On other transcripts: non-coding transcript variant (2).
Genome position (GRCh38, 1-based): chr20:2,658,127, A>G. VCF-style: chr20-2658127-A-G. GRCh37 (hg19) VCF-style: chr20-2638773-A-G.
Other names: short protein forms K540E.
Identifiers: ClinVar variation 3348115 (VCV003348115.1).